The following is an entry in ClinVar:

ClinVar aggregate classification (germline): Uncertain significance. Review status: criteria provided, multiple submitters, no conflicts (2 of 4 stars). 2 submissions from 2 submitters: Uncertain significance (2). Last evaluated 2023-01-12.

Conditions:
Joubert syndrome. Also called: CEREBELLOPARENCHYMAL DISORDER IV; JOUBERT-BOLTSHAUSER SYNDROME; Familial aplasia of the vermis. Identifiers: Orphanet 475, MedGen C5979921, MONDO:0018772.
Meckel-Gruber syndrome. Also called: DYSENCEPHALIA SPLANCHNOCYSTICA; GRUBER SYNDROME; Dysencephalia splachnocystica. Identifiers: Orphanet 564, MedGen C0265215, MONDO:0018921.

Submissions (2):

Mayo Clinic Laboratories, Mayo Clinic
Classification: Uncertain significance. Last evaluated: 2023-01-12. Review status: criteria provided, single submitter. Criteria: ACMG Guidelines, 2015. Collection method: clinical testing. Allele origin: germline. Observed: 1 variant allele.
Comment: BP4, PM2

Labcorp Genetics (formerly Invitae), Labcorp
Classification: Uncertain significance for Joubert syndrome; Meckel-Gruber syndrome. Last evaluated: 2022-07-03. Review status: criteria provided, single submitter. Criteria: Invitae Variant Classification Sherloc (09022015). Collection method: clinical testing. Allele origin: germline.
Comment: This sequence change replaces arginine, which is basic and polar, with proline, which is neutral and non-polar, at codon 180 of the MKS1 protein (p.Arg180Pro). In summary, the available evidence is currently insufficient to determine the role of this variant in disease. Therefore, it has been classified as a Variant of Uncertain Significance. Algorithms developed to predict the effect of missense changes on protein structure and function are either unavailable or do not agree on the potential impact of this missense change (SIFT: "Tolerated"; PolyPhen-2: "Possibly Damaging"; Align-GVGD: "Class C0"). This variant has not been reported in the literature in individuals affected with MKS1-related conditions. This variant is not present in population databases (gnomAD no frequency).

NM_017777.4(MKS1):c.539G>C (p.Arg180Pro)

Gene: MKS1 (MKS transition zone complex subunit 1; minus strand). Cytogenetic location: 17q22.
Variant type: single nucleotide variant.
Coding change: c.539G>C on transcript NM_017777.4 (MANE Select); coding-DNA position 539, G replaced by C.
Protein change: p.Arg180Pro; replaces arginine 180 with proline.
Molecular consequence: missense variant. On other transcripts: 5 prime UTR variant (1).
Genome position (GRCh38, 1-based): chr17:58,214,364, C>G on the plus strand (G>C on the coding strand, the complement: MKS1 is on the minus strand). VCF-style: chr17-58214364-C-G. GRCh37 (hg19) VCF-style: chr17-56291725-C-G.
Other names: p.Arg180Pro; c.-71G>C (NM_001321268.2); c.539G>C, p.Arg180Pro (NM_001321269.2, NM_001330397.2, NM_001411113.1); short protein forms R180P.
Identifiers: ClinVar variation 2166820 (VCV002166820.5), dbSNP rs145764409, ClinGen allele CA400327050.